The following is an entry in ClinVar:

ClinVar aggregate classification (germline): Benign/Likely benign. Review status: criteria provided, multiple submitters, no conflicts (2 of 4 stars). 3 submissions from 3 submitters: Benign (1); Likely benign (2). Last evaluated 2024-03-26.

Conditions:
Hereditary cancer-predisposing syndrome. Also called: Hereditary Cancer Syndrome; Hereditary neoplastic syndrome; Neoplastic Syndromes, Hereditary; Tumor predisposition. Identifiers: Orphanet 140162, MedGen C0027672, MeSH D009386, MONDO:0015356.
Familial adenomatous polyposis 1 (FAP1). Also called: FAMILIAL ADENOMATOUS POLYPOSIS 1, ATTENUATED; POLYPOSIS, ADENOMATOUS INTESTINAL. Identifiers: MedGen C2713442, MONDO:0021056, OMIM 175100. Disease mechanism: loss of function.

Submissions (3):

Myriad Genetics, Inc.
Classification: Benign for Familial adenomatous polyposis 1. Last evaluated: 2024-03-26. Review status: criteria provided, single submitter. Criteria: Myriad Autosomal Dominant, Autosomal Recessive and X-Linked Classification Criteria (2023). Collection method: clinical testing. Allele origin: unknown.
Comment: This variant is considered benign. This variant is a silent/synonymous amino acid change and it is not expected to impact splicing.

Labcorp Genetics (formerly Invitae), Labcorp
Classification: Likely benign for Familial adenomatous polyposis 1. Last evaluated: 2023-12-07. Review status: criteria provided, single submitter. Criteria: Invitae Variant Classification Sherloc (09022015). Collection method: clinical testing. Allele origin: germline.

Ambry Genetics
Classification: Likely benign for Hereditary cancer-predisposing syndrome. Last evaluated: 2019-12-08. Review status: criteria provided, single submitter. Criteria: Ambry Variant Classification Scheme 2023. Collection method: clinical testing. Allele origin: germline.

NM_000038.6(APC):c.4287A>G (p.Gln1429=)

Gene: APC (APC regulator of Wnt signaling pathway; plus strand). Cytogenetic location: 5q22.2.
Variant type: single nucleotide variant.
Coding change: c.4287A>G on transcript NM_000038.6 (MANE Select); coding-DNA position 4287, A replaced by G.
Protein change: p.Gln1429=; no amino-acid change (glutamine 1429 retained).
Molecular consequence: synonymous variant. On other transcripts: non-coding transcript variant (2).
Genome position (GRCh38, 1-based): chr5:112,839,881, A>G. VCF-style: chr5-112839881-A-G. GRCh37 (hg19) VCF-style: chr5-112175578-A-G.
Other names: c.4341A>G, p.Gln1447= (NM_001407449.1, NM_001354896.2, NM_001407447.1 and 1 more transcripts); c.4257A>G, p.Gln1419= (NM_001407452.1); c.4110A>G, p.Gln1370= (NM_001407453.1, NM_001354901.2); c.4287A>G, p.Gln1429= (NM_001407450.1, NM_001127510.3, NM_001354895.2); c.4038A>G, p.Gln1346= (NM_001407454.1, NM_001407455.1, NM_001407456.1 and 1 more transcripts); c.4266A>G, p.Gln1422= (NM_001407451.1); c.4233A>G, p.Gln1411= (NM_001127511.3); c.4317A>G, p.Gln1439= (NM_001354897.2); and 11 more.
Identifiers: ClinVar variation 1739388 (VCV001739388.7), dbSNP rs1765641681, ClinGen allele CA445964440.